The following is an entry in ClinVar:

NM_019892.6(INPP5E):c.1388-5C>T

Gene: INPP5E (inositol polyphosphate-5-phosphatase E; minus strand). Cytogenetic location: 9q34.3.
Variant type: single nucleotide variant.
Coding change: c.1388-5C>T on transcript NM_019892.6 (MANE Select); 5 bases into the intron before coding-DNA position 1388, C replaced by T.
Molecular consequence: intron variant.
Genome position (GRCh38, 1-based): chr9:136,431,990, G>A on the plus strand (C>T on the coding strand, the complement: INPP5E is on the minus strand). VCF-style: chr9-136431990-G-A. GRCh37 (hg19) VCF-style: chr9-139326442-G-A.
Other names: c.1385-5C>T (NM_001318502.2); c.1388-5C>T (NM_019892.5).
Identifiers: ClinVar variation 365882 (VCV000365882.14), dbSNP rs187956407, ClinGen allele CA5336810.

ClinVar aggregate classification (germline): Conflicting classifications of pathogenicity. Review status: criteria provided, conflicting classifications (1 of 4 stars). 3 submissions from 3 submitters: Uncertain significance (1); Likely benign (1). 1 of the submissions does not count toward it. Last evaluated 2026-01-22.

Conditions:
INPP5E-related disorder. Also called: INPP5E-related condition.
Joubert syndrome 1 (JBTS1). Also called: Cerebellooculorenal syndrome 1; CEREBELLOPARENCHYMAL DISORDER IV. Identifiers: MedGen C4551568, MONDO:0008944, OMIM 213300.
Joubert syndrome. Also called: Familial aplasia of the vermis; JOUBERT-BOLTSHAUSER SYNDROME. Identifiers: Orphanet 475, MedGen C5979921, MONDO:0018772.

Allele frequency attached by ClinVar (database versions not stated): gnomAD exomes 0.00004 and 0.00008; ExAC 0.00005; ESP Exome Variant Server 0.00008; TOPMed 0.00003; 1000 Genomes Project 30x 0.00016; 1000 Genomes Project 0.00020; gnomAD 0.00004.
gnomAD v4.1: 72 of 1,612,584 alleles (0.0045%); highest among the groups gnomAD compares: East Asian, 0.038%; 1 homozygote.

Submissions (3):

Labcorp Genetics (formerly Invitae), Labcorp
Classification: Likely benign for Joubert syndrome. Last evaluated: 2026-01-22. Review status: criteria provided, single submitter. Criteria: Invitae Variant Classification Sherloc (09022015). Collection method: clinical testing. Allele origin: germline.

Illumina Laboratory Services, Illumina
Classification: Uncertain significance for Joubert syndrome 1. Last evaluated: 2018-01-13. Review status: criteria provided, single submitter. Criteria: ICSL Variant Classification Criteria 13 December 2019. Collection method: clinical testing. Allele origin: germline.

PreventionGenetics, part of Exact Sciences
Classification: Likely benign for INPP5E-related condition. Last evaluated: 2021-11-23. Review status: no assertion criteria provided. Collection method: clinical testing. Allele origin: germline. Not counted in ClinVar's aggregate classification.
Comment: This variant is classified as likely benign based on ACMG/AMP sequence variant interpretation guidelines (Richards et al. 2015 PMID: 25741868, with internal and published modifications).